The following is an entry in ClinVar:

ClinVar aggregate classification (germline): Uncertain significance (1 of 4 stars; one submission).

Submission:

Labcorp Genetics (formerly Invitae), Labcorp
Classification: Uncertain significance. Last evaluated: 2025-08-22. Review status: criteria provided, single submitter. Criteria: Invitae Variant Classification Sherloc (09022015). Collection method: clinical testing. Allele origin: germline.
Comment: This sequence change replaces tryptophan, which is neutral and slightly polar, with leucine, which is neutral and non-polar, at codon 305 of the KRT14 protein (p.Trp305Leu). This variant is present in population databases (rs761466574, gnomAD 0.02%). This variant has not been reported in the literature in individuals affected with KRT14-related conditions. Invitae Evidence Modeling of protein sequence and biophysical properties (such as structural, functional, and spatial information, amino acid conservation, physicochemical variation, residue mobility, and thermodynamic stability) indicates that this missense variant is not expected to disrupt KRT14 protein function with a negative predictive value of 80%. In summary, the available evidence is currently insufficient to determine the role of this variant in disease. Therefore, it has been classified as a Variant of Uncertain Significance.

NM_000526.5(KRT14):c.914G>T (p.Trp305Leu)

Gene: KRT14 (keratin 14; minus strand). Cytogenetic location: 17q21.2.
Variant type: single nucleotide variant.
Coding change: c.914G>T on transcript NM_000526.5 (MANE Select); coding-DNA position 914, G replaced by T.
Protein change: p.Trp305Leu; replaces tryptophan 305 with leucine.
Molecular consequence: missense variant.
Genome position (GRCh38, 1-based): chr17:41,583,773, C>A on the plus strand (G>T on the coding strand, the complement: KRT14 is on the minus strand). VCF-style: chr17-41583773-C-A. GRCh37 (hg19) VCF-style: chr17-39740025-C-A.
Other names: short protein forms W305L.
Identifiers: ClinVar variation 4706652 (VCV004706652.1).